The following is an entry in ClinVar:

ClinVar aggregate classification (germline): Uncertain significance. Review status: criteria provided, multiple submitters, no conflicts (2 of 4 stars). 3 submissions from 3 submitters: Uncertain significance (2). 1 of the submissions does not count toward it. Last evaluated 2025-02-08.

Conditions:
Cohen syndrome (COH1). Also called: PEPPER SYNDROME; Cutis verticis gyrata, retinitis pigmentosa, and sensorineural deafness. Identifiers: Orphanet 193, MedGen C0265223, MONDO:0008999, OMIM 216550.
VPS13B-related disorder. Also called: VPS13B-related condition.

Allele frequency attached by ClinVar (database versions not stated): gnomAD exomes below 0.00001; TOPMed below 0.00001; gnomAD 0.00001.
gnomAD v4.1: 9 of 1,613,932 alleles (0.00056%); highest among the groups gnomAD compares: Non-Finnish European, 0.00068%; no homozygotes.

Submissions (3):

PreventionGenetics, part of Exact Sciences
Classification: Uncertain significance for VPS13B-related condition. Last evaluated: 2025-02-08. Review status: criteria provided, single submitter. Criteria: ACMG Guidelines, 2015. Collection method: clinical testing. Allele origin: germline.
Comment: The VPS13B c.8498T>G variant is predicted to result in the amino acid substitution p.Ile2833Ser. To our knowledge, this variant has not been reported in the literature or in a large population database (gnomAD), indicating this variant is rare. At this time, the clinical significance of this variant is uncertain due to the absence of conclusive functional and genetic evidence.

Labcorp Genetics (formerly Invitae), Labcorp
Classification: Uncertain significance for Cohen syndrome. Last evaluated: 2021-08-31. Review status: criteria provided, single submitter. Criteria: Invitae Variant Classification Sherloc (09022015). Collection method: clinical testing. Allele origin: germline.

Natera, Inc.
Classification: Uncertain significance for Cohen syndrome. Last evaluated: 2020-09-16. Review status: no assertion criteria provided. Collection method: clinical testing. Allele origin: germline. Not counted in ClinVar's aggregate classification.

NM_152564.5(VPS13B):c.8498T>G (p.Ile2833Ser)

Gene: VPS13B (vacuolar protein sorting 13 homolog B; plus strand). Cytogenetic location: 8q22.2.
Variant type: single nucleotide variant.
Coding change: c.8498T>G on transcript NM_152564.5 (MANE Select); coding-DNA position 8498, T replaced by G.
Protein change: p.Ile2833Ser; replaces isoleucine 2833 with serine.
Molecular consequence: missense variant.
Genome position (GRCh38, 1-based): chr8:99,818,765, T>G. VCF-style: chr8-99818765-T-G. GRCh37 (hg19) VCF-style: chr8-100830993-T-G.
Other names: c.8498T>G (NM_152564.4); c.8573T>G, p.Ile2858Ser (NM_017890.5); short protein forms I2833S, I2858S.
Identifiers: ClinVar variation 528852 (VCV000528852.7), dbSNP rs1231452283, ClinGen allele CA371774389.